The following is an entry in ClinVar:

ClinVar aggregate classification (germline): Conflicting classifications of pathogenicity. Review status: criteria provided, conflicting classifications (1 of 4 stars). 3 submissions from 3 submitters: Uncertain significance (1); Likely benign (1). 1 of the submissions does not count toward it. Last evaluated 2025-06-01.

Conditions:
COL2A1-related disorder. Also called: COL2A1-related condition; COL2A1-related disorders.

Allele frequency attached by ClinVar (database versions not stated): ExAC 0.00007.

Submissions (3):

Labcorp Genetics (formerly Invitae), Labcorp
Classification: Likely benign. Last evaluated: 2025-06-01. Review status: criteria provided, single submitter. Criteria: Invitae Variant Classification Sherloc (09022015). Collection method: clinical testing. Allele origin: germline.

GeneDx
Classification: Uncertain significance. Last evaluated: 2019-09-26. Review status: criteria provided, single submitter. Criteria: GeneDx Variant Classification Process June 2021. Collection method: clinical testing. Allele origin: germline. Affected: yes.
Comment: Has not been previously published as pathogenic or benign to our knowledge; In silico analysis, which includes protein predictors and evolutionary conservation, supports that this variant does not alter protein structure/function; Occurs in the triple helical domain at the Y position in the canonical Gly-X-Y repeat; although this variant may have an effect on normal protein folding and function, missense substitution at the Y position is not a common mechanism of disease (Stenson et al., 2014)

PreventionGenetics, part of Exact Sciences
Classification: Likely benign for COL2A1-related condition. Last evaluated: 2024-04-02. Review status: no assertion criteria provided. Collection method: clinical testing. Allele origin: germline. Not counted in ClinVar's aggregate classification.
Comment: This variant is classified as likely benign based on ACMG/AMP sequence variant interpretation guidelines (Richards et al. 2015 PMID: 25741868, with internal and published modifications).

NM_001844.5(COL2A1):c.1004C>G (p.Thr335Ser)

Gene: COL2A1 (collagen type II alpha 1 chain; minus strand). Cytogenetic location: 12q13.11.
Variant type: single nucleotide variant.
Coding change: c.1004C>G on transcript NM_001844.5 (MANE Select); coding-DNA position 1004, C replaced by G.
Protein change: p.Thr335Ser; replaces threonine 335 with serine.
Molecular consequence: missense variant.
Genome position (GRCh38, 1-based): chr12:47,992,897, G>C on the plus strand (C>G on the coding strand, the complement: COL2A1 is on the minus strand). VCF-style: chr12-47992897-G-C. GRCh37 (hg19) VCF-style: chr12-48386680-G-C.
Other names: c.797C>G, p.Thr266Ser (NM_033150.3); short protein forms T335S, T266S.
Identifiers: ClinVar variation 308930 (VCV000308930.14), dbSNP rs755043901, ClinGen allele CA6535669.